The following is an entry in ClinVar:

NM_006231.4(POLE):c.3379-2A>G

Gene: POLE (DNA polymerase epsilon, catalytic subunit; minus strand). Cytogenetic location: 12q24.33.
Variant type: single nucleotide variant.
Coding change: c.3379-2A>G on transcript NM_006231.4 (MANE Select); the canonical splice acceptor site of the intron before coding-DNA position 3379, A replaced by G.
Molecular consequence: splice acceptor variant.
Genome position (GRCh38, 1-based): chr12:132,657,431, T>C on the plus strand (A>G on the coding strand, the complement: POLE is on the minus strand). VCF-style: chr12-132657431-T-C. GRCh37 (hg19) VCF-style: chr12-133234017-T-C.
Identifiers: ClinVar variation 1723529 (VCV001723529.3), dbSNP rs2138660154, ClinGen allele CA387389565.
Genomic context (GRCh38, chr12:132,657,431, plus strand): 5'-GTGATGATCTTCTGGATGGCGCTTCCCAGCCGCTCAATGTAGTAGTCCCAATCCAGAATC[T>C]GCATGTGCAGGAAACGGGCACAGAGAACAGCAGGTGGCAGCAGCCAAGAGTGGGGCTCAC-3'

ClinVar aggregate classification (germline): Conflicting classifications of pathogenicity. Review status: criteria provided, conflicting classifications (1 of 4 stars). 2 submissions from 2 submitters: Likely pathogenic (1); Uncertain significance (1). Last evaluated 2025-05-07.

Submissions (2):

Labcorp Genetics (formerly Invitae), Labcorp
Classification: Likely pathogenic. Last evaluated: 2025-05-07. Review status: criteria provided, single submitter. Criteria: Invitae Variant Classification Sherloc (09022015). Collection method: clinical testing. Allele origin: germline.
Comment: This sequence change affects an acceptor splice site in intron 27 of the POLE gene. It is expected to disrupt RNA splicing. Variants that disrupt the donor or acceptor splice site typically lead to a loss of protein function (PMID: 16199547), and loss-of-function variants in POLE are known to be pathogenic (PMID: 23230001, 25948378, 30503519). This variant is not present in population databases (gnomAD no frequency). This variant has not been reported in the literature in individuals affected with POLE-related conditions. ClinVar contains an entry for this variant (Variation ID: 1723529). Algorithms developed to predict the effect of sequence changes on RNA splicing suggest that this variant may disrupt the consensus splice site. In summary, the currently available evidence indicates that the variant is pathogenic, but additional data are needed to prove that conclusively. Therefore, this variant has been classified as Likely Pathogenic.

GeneDx
Classification: Uncertain significance. Last evaluated: 2022-05-20. Review status: criteria provided, single submitter. Criteria: GeneDx Variant Classification Process June 2021. Collection method: clinical testing. Allele origin: germline. Affected: yes.
Comment: Canonical splice site variant with an unclear effect on protein function; Not observed at significant frequency in large population cohorts (gnomAD); Has not been previously published as pathogenic or benign to our knowledge

Literature cited by the submitters: PubMed 16199547 (cited by Labcorp Genetics (formerly Invitae), Labcorp); PubMed 23230001 (cited by Labcorp Genetics (formerly Invitae), Labcorp); PubMed 25948378 (cited by Labcorp Genetics (formerly Invitae), Labcorp); PubMed 30503519 (cited by Labcorp Genetics (formerly Invitae), Labcorp).